The following is an entry in ClinVar:

NM_001080477.4(TENM3):c.4834G>A (p.Gly1612Ser)

Gene: TENM3 (teneurin transmembrane protein 3; plus strand). Cytogenetic location: 4q35.1.
Variant type: single nucleotide variant.
Coding change: c.4834G>A on transcript NM_001080477.4 (MANE Select); coding-DNA position 4834, G replaced by A.
Protein change: p.Gly1612Ser; replaces glycine 1612 with serine.
Molecular consequence: missense variant.
Genome position (GRCh38, 1-based): chr4:182,755,201, G>A. VCF-style: chr4-182755201-G-A. GRCh37 (hg19) VCF-style: chr4-183676354-G-A.
Other names: c.4066G>A, p.Gly1356Ser (NM_001415960.1); c.4039G>A, p.Gly1347Ser (NM_001415961.1); c.4036G>A, p.Gly1346Ser (NM_001415962.1); c.4018G>A, p.Gly1340Ser (NM_001415963.1); c.4015G>A, p.Gly1339Ser (NM_001415964.1); c.4552G>A, p.Gly1518Ser (NM_001415966.1); c.4576G>A, p.Gly1526Ser (NM_001415967.1); c.4852G>A, p.Gly1618Ser (NM_001415968.1); and 4 more; short protein forms G1339S, G1340S, G1346S, G1347S, G1356S, G1518S, G1519S, G1526S.
Identifiers: ClinVar variation 3025348 (VCV003025348.23), dbSNP rs543733302, ClinGen allele CA3148482.

ClinVar aggregate classification (germline): Conflicting classifications of pathogenicity. Review status: criteria provided, conflicting classifications (1 of 4 stars). 2 submissions from 2 submitters: Uncertain significance (1); Likely benign (1). Last evaluated 2024-11-22.

Allele frequency attached by ClinVar (database versions not stated): gnomAD 0.00005; gnomAD exomes 0.00013; ExAC 0.00041; 1000 Genomes Project 30x 0.00094; 1000 Genomes Project 0.00100.
gnomAD v4.1: 190 of 1,611,968 alleles (0.012%); highest among the groups gnomAD compares: South Asian, 0.17%; 3 homozygotes.

Submissions (2):

Blueprint Genetics
Classification: Uncertain significance. Last evaluated: 2024-11-22. Review status: criteria provided, single submitter. Criteria: ACMG Guidelines, 2015. Collection method: clinical testing. Allele origin: germline.

CeGaT Center for Human Genetics Tuebingen
Classification: Likely benign. Last evaluated: 2024-01-01. Review status: criteria provided, single submitter. Criteria: CeGaT Center For Human Genetics Tuebingen Variant Classification Criteria Version 2. Collection method: clinical testing. Allele origin: germline. Affected: yes. Observed: 1 variant allele.
Comment: TENM3: BS2